The following is an entry in ClinVar:

NM_138433.5(KLHDC7B):c.2220G>A (p.Ala740=)

Genes: KLHDC7B (kelch domain containing 7B; plus strand), KLHDC7B-DT (KLHDC7B divergent transcript; minus strand), LOC130067876 (ATAC-STARR-seq lymphoblastoid silent region 13995; plus strand). Cytogenetic location: 22q13.33.
Variant type: single nucleotide variant.
Coding change: c.2220G>A on transcript NM_138433.5 (MANE Select); coding-DNA position 2220, G replaced by A.
Protein change: p.Ala740=; no amino-acid change (alanine 740 retained).
Molecular consequence: synonymous variant.
Genome position (GRCh38, 1-based): chr22:50,548,463, G>A. VCF-style: chr22-50548463-G-A. GRCh37 (hg19) VCF-style: chr22-50986892-G-A.
Identifiers: ClinVar variation 3770990 (VCV003770990.13).
Genomic context (GRCh38, chr22:50,548,463, plus strand): 5'-CCCAGGCCTAAGAGGAGAGGGAACCAGGGAGAAAAGTCTAGACCCGCTGCCCCAAGCCGC[G>A]ATGCCCAGGGGCCCCGCACAGCCCCCCGCGCAGAGGCCGCCTGGCCCCGCGGCCTCCTCC-3'
Protein context (NP_612442.3, residues 730-750): EKSLDPLPQA[Ala740=]MPRGPAQPPA

ClinVar aggregate classification (germline): Likely benign (1 of 4 stars; one submission).

gnomAD v4.1: 345 of 1,579,248 alleles (0.022%); highest among the groups gnomAD compares: Admixed American, 0.028%; no homozygotes.

Submission:

CeGaT Center for Human Genetics Tuebingen
Classification: Likely benign. Last evaluated: 2024-12-01. Review status: criteria provided, single submitter. Criteria: CeGaT Center For Human Genetics Tuebingen Variant Classification Criteria Version 2. Collection method: clinical testing. Allele origin: germline. Affected: yes. Observed: 1 variant allele.
Comment: KLHDC7B: BP4, BP7